The following is an entry in ClinVar:

NM_139027.6(ADAMTS13):c.3242G>A (p.Trp1081Ter)

Gene: ADAMTS13 (ADAM metallopeptidase with thrombospondin type 1 motif 13; plus strand). Cytogenetic location: 9q34.2.
Variant type: single nucleotide variant.
Coding change: c.3242G>A on transcript NM_139027.6 (MANE Select); coding-DNA position 3242, G replaced by A.
Protein change: p.Trp1081Ter; replaces tryptophan 1081 with a stop codon.
Molecular consequence: nonsense. On other transcripts: non-coding transcript variant (1).
Genome position (GRCh38, 1-based): chr9:133,454,612, G>A. VCF-style: chr9-133454612-G-A. GRCh37 (hg19) VCF-style: chr9-136319734-G-A.
Other names: c.3242G>A, p.Trp1081Ter (NM_017587.2, NM_139025.5); c.3149G>A, p.Trp1050Ter (NM_139026.6); short protein forms W1050*, W1081*.
Identifiers: ClinVar variation 1705385 (VCV001705385.1), dbSNP rs2490464967, ClinGen allele CA375410941.

ClinVar aggregate classification (germline): Pathogenic (1 of 4 stars; one submission).

Conditions:
Upshaw-Schulman syndrome (TTP). Also called: Congenital thrombotic thrombocytopenic purpura; THROMBOTIC THROMBOCYTOPENIC PURPURA, HEREDITARY. Identifiers: Orphanet 93583, MedGen C1268935, MONDO:0010122, OMIM 274150.

Submission:

3billion
Classification: Pathogenic for Upshaw-Schulman syndrome. Last evaluated: 2022-09-01. Review status: criteria provided, single submitter. Criteria: ACMG Guidelines, 2015. Collection method: clinical testing. Allele origin: germline. Affected: yes. Observed: 1 heterozygote.
Comment: The variant is not observed in the gnomAD v2.1.1 dataset. Stop-gained (nonsense) is predicted to result in a loss or disruption of normal protein function through nonsense-mediated decay (NMD) or protein truncation. Multiple pathogenic variants are reported downstream of the variant. The variant has been reported to be in trans with a pathogenic variant as either compound heterozygous or homozygous in at least one similarly affected unrelated individual (PMID: 21781265). It has been reported to be associated with ADAMTS13 -related disorder (PMID: 21781265). Therefore, this variant is classified as Pathogenic according to the recommendation of ACMG/AMP guideline.

Literature cited by the submitters: PubMed 21781265.